The following is an entry in ClinVar:

NM_000463.3(UGT1A1):c.1495G>A (p.Val499Met)

Genes: UGT1A3 (UDP glucuronosyltransferase family 1 member A3; plus strand), UGT1A6 (UDP glucuronosyltransferase family 1 member A6; plus strand), UGT1A7 (UDP glucuronosyltransferase family 1 member A7; plus strand), UGT1A8 (UDP glucuronosyltransferase family 1 member A8; plus strand), UGT1A9 (UDP glucuronosyltransferase family 1 member A9; plus strand) and 5 more. Cytogenetic location: 2q37.1.
Variant type: single nucleotide variant.
Coding change: c.1495G>A on transcript NM_000463.3 (MANE Select); coding-DNA position 1495, G replaced by A.
Protein change: p.Val499Met; replaces valine 499 with methionine.
Molecular consequence: missense variant.
Genome position (GRCh38, 1-based): chr2:233,772,452, G>A. VCF-style: chr2-233772452-G-A. GRCh37 (hg19) VCF-style: chr2-234681098-G-A.
Other names: c.1486G>A, p.Val496Met (NM_019077.3, NM_021027.3, NM_019075.4 and 1 more transcripts); c.1492G>A, p.Val498Met (NM_001072.4); c.691G>A, p.Val231Met (NM_205862.3); c.1498G>A, p.Val500Met (NM_019078.2, NM_007120.3, NM_019093.4); short protein forms V231M, V496M, V498M, V499M, V500M.
Identifiers: ClinVar variation 444554 (VCV000444554.54), dbSNP rs199723856, ClinGen allele CA2180141.

ClinVar aggregate classification (germline): Uncertain significance. Review status: criteria provided, multiple submitters, no conflicts (2 of 4 stars). 5 submissions from 5 submitters: Uncertain significance (4). 1 of the submissions does not count toward it. Last evaluated 2025-07-16.

Conditions:
UGT1A1-related disorder. Also called: UGT1A1-related condition; UGT1A1-related disorders.

Allele frequency attached by ClinVar (database versions not stated): TOPMed 0.00010; gnomAD 0.00011 and 0.00012; ESP Exome Variant Server 0.00015.
gnomAD v4.1: 186 of 1,614,176 alleles (0.012%); highest among the groups gnomAD compares: Non-Finnish European, 0.015%; no homozygotes.

Submissions (5):

Labcorp Genetics (formerly Invitae), Labcorp
Classification: Uncertain significance. Last evaluated: 2025-07-16. Review status: criteria provided, single submitter. Criteria: Invitae Variant Classification Sherloc (09022015). Collection method: clinical testing. Allele origin: germline.
Comment: This sequence change replaces valine, which is neutral and non-polar, with methionine, which is neutral and non-polar, at codon 499 of the UGT1A1 protein (p.Val499Met). This variant is present in population databases (rs199723856, gnomAD 0.02%). This variant has not been reported in the literature in individuals affected with UGT1A1-related conditions. ClinVar contains an entry for this variant (Variation ID: 444554). Invitae Evidence Modeling of protein sequence and biophysical properties (such as structural, functional, and spatial information, amino acid conservation, physicochemical variation, residue mobility, and thermodynamic stability) indicates that this missense variant is not expected to disrupt UGT1A1 protein function with a negative predictive value of 80%. In summary, the available evidence is currently insufficient to determine the role of this variant in disease. Therefore, it has been classified as a Variant of Uncertain Significance.

ARUP Laboratories, Molecular Genetics and Genomics, ARUP Laboratories
Classification: Uncertain significance. Last evaluated: 2022-08-09. Review status: criteria provided, single submitter. Criteria: ARUP Molecular Germline Variant Investigation Process 2021. Collection method: clinical testing. Allele origin: germline.
Comment: The UGT1A1 c.1495G>A; p.Val499Met variant (rs199723856), to our knowledge, is not reported in the medical literature but is reported in ClinVar (Variation ID: 444554). This variant is observed in the general population with an overall allele frequency of 0.007% (18/250584 alleles) in the Genome Aggregation Database. The valine at codon 499 is moderately conserved, but computational analyses are uncertain whether this variant is neutral or deleterious (REVEL: 0.207). Due to limited information, the clinical significance of this variant is uncertain at this time.

Eurofins Ntd Llc (ga)
Classification: Uncertain significance. Last evaluated: 2017-07-28. Review status: criteria provided, single submitter. Criteria: EGL Classification Definitions 2015. Collection method: clinical testing. Allele origin: germline. Observed: 1 variant allele, 1 heterozygote.

CeGaT Center for Human Genetics Tuebingen
Classification: Uncertain significance. Last evaluated: 2017-06-01. Review status: criteria provided, single submitter. Criteria: CeGaT Center For Human Genetics Tuebingen Variant Classification Criteria Version 2. Collection method: clinical testing. Allele origin: germline. Affected: yes. Observed: 1 variant allele.

PreventionGenetics, part of Exact Sciences
Classification: Uncertain significance for UGT1A1-related condition. Last evaluated: 2024-08-19. Review status: no assertion criteria provided. Collection method: clinical testing. Allele origin: germline. Not counted in ClinVar's aggregate classification.
Comment: The UGT1A1 c.1495G>A variant is predicted to result in the amino acid substitution p.Val499Met. To our knowledge, this variant has not been reported in the literature. This variant is reported in 0.014% of alleles in individuals of European (Non-Finnish) descent in gnomAD. At this time, the clinical significance of this variant is uncertain due to the absence of conclusive functional and genetic evidence.